The following is an entry in ClinVar:

ClinVar aggregate classification (germline): Likely benign (1 of 4 stars; one submission).

Conditions:
KLF1-related disorder. Also called: KLF1-Related Disorders; KLF1-related condition.

Submission:

PreventionGenetics, part of Exact Sciences
Classification: Likely benign for KLF1-related condition. Last evaluated: 2026-06-16. Review status: criteria provided, single submitter. Criteria: ACMG Guidelines, 2015. Collection method: clinical testing. Allele origin: germline.
Comment: This variant is classified as likely benign based on ACMG/AMP sequence variant interpretation guidelines (Richards et al. 2015 PMID: 25741868, with internal and published modifications).

NC_000019.10:g.12887289G>A

Genes: KLF1 (KLF transcription factor 1; minus strand), LOC117125592 (CRISPRi-FlowFISH-validated CALR, DHPS, JUNB, PRDX2, RAD23A, RNASEH2A and WDR83OS regulatory element; plus strand). Cytogenetic location: 19p13.13.
Variant type: single nucleotide variant.
Genome position: GRCh38 VCF-style: chr19-12887289-G-A. GRCh37 (hg19) VCF-style: chr19-12998103-G-A.
Identifiers: ClinVar variation 4977859 (VCV004977859.1).